The following is an entry in ClinVar:

ClinVar aggregate classification (germline): Uncertain significance. Review status: criteria provided, multiple submitters, no conflicts (2 of 4 stars). 2 submissions from 2 submitters: Uncertain significance (2). Last evaluated 2025-09-22.

Conditions:
Hereditary cancer-predisposing syndrome. Also called: Tumor predisposition; Hereditary Cancer Syndrome; Hereditary neoplastic syndrome; Neoplastic Syndromes, Hereditary. Identifiers: Orphanet 140162, MedGen C0027672, MeSH D009386, MONDO:0015356.
Rhabdoid tumor predisposition syndrome 2 (RTPS2). Identifiers: Orphanet 231108, Orphanet 69077, MedGen C2750074, MONDO:0013224, OMIM 613325.

Submissions (2):

Labcorp Genetics (formerly Invitae), Labcorp
Classification: Uncertain significance for Rhabdoid tumor predisposition syndrome 2. Last evaluated: 2025-09-22. Review status: criteria provided, single submitter. Criteria: Invitae Variant Classification Sherloc (09022015). Collection method: clinical testing. Allele origin: germline.
Comment: This sequence change replaces glycine, which is neutral and non-polar, with alanine, which is neutral and non-polar, at codon 630 of the SMARCA4 protein (p.Gly630Ala). This variant is not present in population databases (gnomAD no frequency). This variant has not been reported in the literature in individuals affected with SMARCA4-related conditions. ClinVar contains an entry for this variant (Variation ID: 2587125). Invitae Evidence Modeling of protein sequence and biophysical properties (such as structural, functional, and spatial information, amino acid conservation, physicochemical variation, residue mobility, and thermodynamic stability) indicates that this missense variant is expected to disrupt SMARCA4 protein function with a positive predictive value of 95%. In summary, the available evidence is currently insufficient to determine the role of this variant in disease. Therefore, it has been classified as a Variant of Uncertain Significance.

Ambry Genetics
Classification: Uncertain significance for Hereditary cancer-predisposing syndrome. Last evaluated: 2025-04-16. Review status: criteria provided, single submitter. Criteria: Ambry Variant Classification Scheme 2023. Collection method: clinical testing. Allele origin: germline.
Comment: The p.G630A variant (also known as c.1889G>C), located in coding exon 11 of the SMARCA4 gene, results from a G to C substitution at nucleotide position 1889. The glycine at codon 630 is replaced by alanine, an amino acid with similar properties. This amino acid position is highly conserved in available vertebrate species. In addition, this alteration is predicted to be deleterious by in silico analysis. Based on the available evidence, the clinical significance of this variant remains unclear.

NM_003072.5(SMARCA4):c.1889G>C (p.Gly630Ala)

Gene: SMARCA4 (SWI/SNF related BAF chromatin remodeling complex subunit ATPase 4; plus strand). Cytogenetic location: 19p13.2.
Variant type: single nucleotide variant.
Coding change: c.1889G>C on transcript NM_003072.5 (MANE Select); coding-DNA position 1889, G replaced by C.
Protein change: p.Gly630Ala; replaces glycine 630 with alanine.
Molecular consequence: missense variant. On other transcripts: non-coding transcript variant (1).
Genome position (GRCh38, 1-based): chr19:11,003,105, G>C. VCF-style: chr19-11003105-G-C. GRCh37 (hg19) VCF-style: chr19-11113781-G-C.
Other names: c.1889G>C, p.Gly630Ala (NM_001128844.3, NM_001128845.2, NM_001128846.2 and 6 more transcripts); short protein forms G630A.
Identifiers: ClinVar variation 2587125 (VCV002587125.5), dbSNP rs749533909, ClinGen allele CA404051612.